The following is an entry in ClinVar:

NM_001270.4(CHD1):c.2569-11A>G

Gene: CHD1 (chromodomain helicase DNA binding protein 1; minus strand). Cytogenetic location: 5q15.
Variant type: single nucleotide variant.
Coding change: c.2569-11A>G on transcript NM_001270.4 (MANE Select); 11 bases into the intron before coding-DNA position 2569, A replaced by G.
Molecular consequence: intron variant.
Genome position (GRCh38, 1-based): chr5:98,883,248, T>C on the plus strand (A>G on the coding strand, the complement: CHD1 is on the minus strand). VCF-style: chr5-98883248-T-C. GRCh37 (hg19) VCF-style: chr5-98218952-T-C.
Other names: c.2569-11A>G (NM_001376194.2, NM_001364113.3).
Identifiers: ClinVar variation 2582374 (VCV002582374.3), dbSNP rs1344698815, ClinGen allele CA561309178.

ClinVar aggregate classification (germline): Conflicting classifications of pathogenicity. Review status: criteria provided, conflicting classifications (1 of 4 stars). 2 submissions from 2 submitters: Likely pathogenic (1); Uncertain significance (1). Last evaluated 2026-03-20.

Conditions:
Pilarowski-Bjornsson syndrome. Also called: DEVELOPMENTAL DELAY AND SPEECH APRAXIA WITH OR WITHOUT SEIZURES. Identifiers: Orphanet 529965, MedGen C4540131, MONDO:0060568, OMIM 617682.

Allele frequency attached by ClinVar (database versions not stated): gnomAD exomes below 0.00001.
gnomAD v4.1: 3 of 1,566,810 alleles (0.00019%); highest among the groups gnomAD compares: African/African-American, 0.0014%; no homozygotes.

Submissions (2):

GeneDx
Classification: Uncertain significance. Last evaluated: 2026-03-20. Review status: criteria provided, single submitter. Criteria: GeneDx Variant Classification Process June 2021. Collection method: clinical testing. Allele origin: germline.
Comment: Identified as a de novo variant in a proband from a large cohort of individuals with autism; however detailed clinical information was not provided (PMID: 31981491); RNA studies suggest that this variant leads to abnormal splicing, likely resulting in a frameshift; however loss-of-function is not an established mechanism of disease for this gene (PMID: 38113761); In silico analysis supports a deleterious effect on splicing; Not observed at significant frequency in large population cohorts (gnomAD); This variant is associated with the following publications: (PMID: 38113761, 31981491)

Baylor Genetics
Classification: Likely pathogenic for Pilarowski-Bjornsson syndrome. Last evaluated: 2024-02-01. Review status: criteria provided, single submitter. Criteria: ACMG Guidelines, 2015. Collection method: clinical testing. Allele origin: unknown.